The following is an entry in ClinVar:

ClinVar aggregate classification (germline): Uncertain significance. Review status: criteria provided, multiple submitters, no conflicts (2 of 4 stars). 2 submissions from 2 submitters: Uncertain significance (2). Last evaluated 2025-06-12.

Conditions:
Inborn genetic diseases. Identifiers: MedGen C0950123, MeSH D030342.

Allele frequency attached by ClinVar (database versions not stated): 1000 Genomes Project 30x 0.00016.
gnomAD v4.1: 59 of 1,614,112 alleles (0.0037%); highest among the groups gnomAD compares: Middle Eastern, 0.033%; no homozygotes.

Submissions (2):

Labcorp Genetics (formerly Invitae), Labcorp
Classification: Uncertain significance. Last evaluated: 2025-06-12. Review status: criteria provided, single submitter. Criteria: Invitae Variant Classification Sherloc (09022015). Collection method: clinical testing. Allele origin: germline.
Comment: This sequence change replaces methionine, which is neutral and non-polar, with valine, which is neutral and non-polar, at codon 44 of the FGF10 protein (p.Met44Val). This variant is present in population databases (rs201168313, gnomAD 0.009%). This variant has not been reported in the literature in individuals affected with FGF10-related conditions. ClinVar contains an entry for this variant (Variation ID: 2206311). An algorithm developed to predict the effect of missense changes on protein structure and function (PolyPhen-2) suggests that this variant is likely to be tolerated. In summary, the available evidence is currently insufficient to determine the role of this variant in disease. Therefore, it has been classified as a Variant of Uncertain Significance.

Ambry Genetics
Classification: Uncertain significance for Inborn genetic diseases. Last evaluated: 2022-01-26. Review status: criteria provided, single submitter. Criteria: Ambry Variant Classification Scheme 2023. Collection method: clinical testing. Allele origin: germline.

NM_004465.2(FGF10):c.130A>G (p.Met44Val)

Gene: FGF10 (fibroblast growth factor 10; minus strand). Cytogenetic location: 5p12.
Variant type: single nucleotide variant.
Coding change: c.130A>G on transcript NM_004465.2 (MANE Select); coding-DNA position 130, A replaced by G.
Protein change: p.Met44Val; replaces methionine 44 with valine.
Molecular consequence: missense variant.
Genome position (GRCh38, 1-based): chr5:44,388,553, T>C on the plus strand (A>G on the coding strand, the complement: FGF10 is on the minus strand). VCF-style: chr5-44388553-T-C. GRCh37 (hg19) VCF-style: chr5-44388655-T-C.
Other names: short protein forms M44V.
Identifiers: ClinVar variation 2206311 (VCV002206311.5), dbSNP rs201168313, ClinGen allele CA3258571.